The following is an entry in ClinVar:

ClinVar aggregate classification (germline): Uncertain significance (1 of 4 stars; one submission).

Conditions:
Menkes kinky-hair syndrome (MNK). Also called: Menkes Disease; Copper transport disease; Classic Menkes Disease. Identifiers: Orphanet 565, MedGen C0022716, MONDO:0010651, OMIM 309400.
Cutis laxa, X-linked (OHS). Also called: EDS IX; Occipital horn syndrome. Identifiers: Orphanet 198, MedGen C0268353, MONDO:0010572, OMIM 304150.
X-linked distal spinal muscular atrophy type 3. Also called: ATP7A-Related Distal Motor Neuropathy; SPINAL MUSCULAR ATROPHY, DISTAL, X-LINKED RECESSIVE; NEURONOPATHY, DISTAL HEREDITARY MOTOR, X-LINKED; NEUROPATHY, DISTAL HEREDITARY MOTOR, X-LINKED. Identifiers: Orphanet 139557, MedGen C1845359, MONDO:0010338, OMIM 300489.

Submission:

Labcorp Genetics (formerly Invitae), Labcorp
Classification: Uncertain significance for X-linked distal spinal muscular atrophy type 3; Cutis laxa, X-linked; Menkes kinky-hair syndrome. Last evaluated: 2025-11-08. Review status: criteria provided, single submitter. Criteria: Invitae Variant Classification Sherloc (09022015). Collection method: clinical testing. Allele origin: germline.
Comment: This sequence change replaces glycine, which is neutral and non-polar, with alanine, which is neutral and non-polar, at codon 1047 of the ATP7A protein (p.Gly1047Ala). This variant is not present in population databases (gnomAD no frequency). This variant has not been reported in the literature in individuals affected with ATP7A-related conditions. Invitae Evidence Modeling of protein sequence and biophysical properties (such as structural, functional, and spatial information, amino acid conservation, physicochemical variation, residue mobility, and thermodynamic stability) indicates that this missense variant is expected to disrupt ATP7A protein function with a positive predictive value of 95%. In summary, the available evidence is currently insufficient to determine the role of this variant in disease. Therefore, it has been classified as a Variant of Uncertain Significance.

NM_000052.7(ATP7A):c.3140G>C (p.Gly1047Ala)

Gene: ATP7A (ATPase copper transporting alpha; plus strand). Cytogenetic location: Xq21.1.
Variant type: single nucleotide variant.
Coding change: c.3140G>C on transcript NM_000052.7 (MANE Select); coding-DNA position 3140, G replaced by C.
Protein change: p.Gly1047Ala; replaces glycine 1047 with alanine.
Molecular consequence: missense variant. On other transcripts: non-coding transcript variant (1).
Genome position (GRCh38, 1-based): chrX:78,031,428, G>C. VCF-style: chrX-78031428-G-C. GRCh37 (hg19) VCF-style: chrX-77286926-G-C.
Other names: c.2906G>C, p.Gly969Ala (NM_001282224.2); short protein forms G969A, G1047A.
Identifiers: ClinVar variation 4789450 (VCV004789450.1).